The following is an entry in ClinVar:

NM_002470.4(MYH3):c.3527G>C (p.Arg1176Pro)

Gene: MYH3 (myosin heavy chain 3; minus strand). Cytogenetic location: 17p13.1.
Variant type: single nucleotide variant.
Coding change: c.3527G>C on transcript NM_002470.4 (MANE Select); coding-DNA position 3527, G replaced by C.
Protein change: p.Arg1176Pro; replaces arginine 1176 with proline.
Molecular consequence: missense variant.
Genome position (GRCh38, 1-based): chr17:10,638,245, C>G on the plus strand (G>C on the coding strand, the complement: MYH3 is on the minus strand). VCF-style: chr17-10638245-C-G. GRCh37 (hg19) VCF-style: chr17-10541562-C-G.
Other names: short protein forms R1176P.
Identifiers: ClinVar variation 939914 (VCV000939914.6), dbSNP rs143550129, ClinGen allele CA398151526.

ClinVar aggregate classification (germline): Uncertain significance (1 of 4 stars; one submission).

Submission:

Labcorp Genetics (formerly Invitae), Labcorp
Classification: Uncertain significance. Last evaluated: 2019-05-29. Review status: criteria provided, single submitter. Criteria: Invitae Variant Classification Sherloc (09022015). Collection method: clinical testing. Allele origin: germline.
Comment: This sequence change replaces arginine with proline at codon 1176 of the MYH3 protein (p.Arg1176Pro). The arginine residue is highly conserved and there is a moderate physicochemical difference between arginine and proline. This variant is not present in population databases (ExAC no frequency). This variant has not been reported in the literature in individuals with MYH3-related conditions. Algorithms developed to predict the effect of missense changes on protein structure and function (SIFT, PolyPhen-2, Align-GVGD) all suggest that this variant is likely to be disruptive, but these predictions have not been confirmed by published functional studies and their clinical significance is uncertain. In summary, the available evidence is currently insufficient to determine the role of this variant in disease. Therefore, it has been classified as a Variant of Uncertain Significance.